The following is an entry in ClinVar:

ClinVar aggregate classification (germline): Likely benign. Review status: criteria provided, multiple submitters, no conflicts (2 of 4 stars). 3 submissions from 3 submitters: Likely benign (3). Last evaluated 2026-03-01.

Conditions:
Epilepsy, familial focal, with variable foci 3 (FFEVF3). Identifiers: MedGen C4310708, MONDO:0014925, OMIM 617118.

Allele frequency attached by ClinVar (database versions not stated): gnomAD 0.00009; ESP Exome Variant Server 0.00016; TOPMed 0.00019; gnomAD exomes 0.00033; ExAC 0.00074.

Submissions (5):

CeGaT Center for Human Genetics Tuebingen
Classification: Likely benign. Last evaluated: 2026-03-01. Review status: criteria provided, single submitter. Criteria: CeGaT Center For Human Genetics Tuebingen Variant Classification Criteria Version 2. Collection method: clinical testing. Allele origin: germline. Affected: yes. Observed: 2 variant alleles.
Comment: NPRL3: BP4, BP7

Labcorp Genetics (formerly Invitae), Labcorp
Classification: Likely benign for Epilepsy, familial focal, with variable foci 3. Last evaluated: 2025-12-26. Review status: criteria provided, single submitter. Criteria: Invitae Variant Classification Sherloc (09022015). Collection method: clinical testing. Allele origin: germline.

Blueprint Genetics
Classification: Likely benign. Last evaluated: 2024-06-06. Review status: criteria provided, single submitter. Criteria: ACMG Guidelines, 2015. Collection method: clinical testing. Allele origin: germline.

Dr. Peter K. Rogan Lab, Western University
No classification provided (evidence only). Condition: Lung cancer. Review status: no classification provided. Collection method: in vitro. Allele origin: not applicable. Functional consequence: retained intron. Not counted in ClinVar's aggregate classification.

Dr. Peter K. Rogan Lab, Western University
No classification provided (evidence only). Condition: Thyroid cancer, nonmedullary, 1. Review status: no classification provided. Collection method: in vitro. Allele origin: not applicable. Functional consequence: retained intron. Not counted in ClinVar's aggregate classification.

NM_001077350.3(NPRL3):c.156C>T (p.Gly52=)

Genes: HBA-LCR (alpha-globin locus control region; plus strand), NPRL3 (NPR3 like, GATOR1 complex subunit; minus strand). Cytogenetic location: 16p13.3.
Variant type: single nucleotide variant.
Coding change: c.156C>T on transcript NM_001077350.3 (MANE Select); coding-DNA position 156, C replaced by T.
Protein change: p.Gly52=; no amino-acid change (glycine 52 retained).
Molecular consequence: synonymous variant. On other transcripts: 5 prime UTR variant (2).
Genome position (GRCh38, 1-based): chr16:130,554, G>A on the plus strand (C>T on the coding strand, the complement: NPRL3 is on the minus strand). VCF-style: chr16-130554-G-A. GRCh37 (hg19) VCF-style: chr16-180553-G-A.
Other names: c.-177C>T (NM_001039476.3); c.-216C>T (NM_001243247.2); c.156C>T, p.Gly52= (NM_001243248.2, NM_001243249.2).
Identifiers: ClinVar variation 1157788 (VCV001157788.17), dbSNP rs369462371, ClinGen allele CA7769763.